The following is an entry in ClinVar:

NM_016156.6(MTMR2):c.1768C>T (p.Gln590Ter)

Gene: MTMR2 (myotubularin related protein 2; minus strand). Cytogenetic location: 11q21.
Variant type: single nucleotide variant.
Coding change: c.1768C>T on transcript NM_016156.6 (MANE Select); coding-DNA position 1768, C replaced by T.
Protein change: p.Gln590Ter; replaces glutamine 590 with a stop codon.
Molecular consequence: nonsense.
Genome position (GRCh38, 1-based): chr11:95,836,150, G>A on the plus strand (C>T on the coding strand, the complement: MTMR2 is on the minus strand). VCF-style: chr11-95836150-G-A. GRCh37 (hg19) VCF-style: chr11-95569314-G-A.
Other names: c.1552C>T, p.Gln518Ter (NM_001243571.2, NM_201278.3, NM_201281.3); short protein forms Q590*, Q518*.
Identifiers: ClinVar variation 623390 (VCV000623390.3), dbSNP rs1565342506, ClinGen allele CA382413679.

ClinVar aggregate classification (germline): Pathogenic. Review status: criteria provided, multiple submitters, no conflicts (2 of 4 stars). 2 submissions from 2 submitters: Pathogenic (2). Last evaluated 2025-05-19.

Conditions:
Charcot-Marie-Tooth disease type 4B1. Also called: Charcot-Marie-Tooth Neuropathy Type 4B1; CHARCOT-MARIE-TOOTH DISEASE, DEMYELINATING, TYPE 4B1; CHARCOT-MARIE-TOOTH DISEASE, AUTOSOMAL RECESSIVE, WITH FOCALLY FOLDED MYELIN SHEATHS, AUTOSOMAL RECESSIVE, TYPE 4B1; CHARCOT-MARIE-TOOTH DISEASE, TYPE 4B. Identifiers: Orphanet 99955, MedGen C1832399, MONDO:0011066, OMIM 601382.

Allele frequency attached by ClinVar (database versions not stated): gnomAD exomes below 0.00001.
gnomAD v4.1: 1 of 1,612,278 alleles (0.000062%); highest among the groups gnomAD compares: Non-Finnish European, 0.000085%; no homozygotes.

Submissions (2):

First Genomix Gene Laboratory, Genetic Diagnostics Department
Classification: Pathogenic for Charcot-Marie-Tooth disease type 4B1. Last evaluated: 2025-05-19. Review status: criteria provided, single submitter. Criteria: ACMG Guidelines, 2015. Collection method: clinical testing. Allele origin: germline. Inheritance: Autosomal recessive inheritance. Affected: yes. Observed: 1 variant allele.
Comment: In addition, this variant has been reportedin a homozygous state in several related individuals affected with Charcot-Marie-Tooth disease (PMID: 27162595).

Department of Genetics, Sultan Qaboos University Hospital
Classification: Pathogenic for Charcot-Marie-Tooth disease type 4B1. Last evaluated: 2017-12-30. Review status: criteria provided, single submitter. Criteria: ACMG Guidelines, 2015. Collection method: clinical testing. Allele origin: unknown. Affected: yes.